The following is an entry in ClinVar:

ClinVar aggregate classification (germline): Uncertain significance (1 of 4 stars; one submission).

Conditions:
Hereditary cancer-predisposing syndrome. Also called: Tumor predisposition; Neoplastic Syndromes, Hereditary; Hereditary Cancer Syndrome; Hereditary neoplastic syndrome. Identifiers: Orphanet 140162, MedGen C0027672, MeSH D009386, MONDO:0015356.

Submission:

Ambry Genetics
Classification: Uncertain significance for Hereditary cancer-predisposing syndrome. Last evaluated: 2025-03-05. Review status: criteria provided, single submitter. Criteria: Ambry Variant Classification Scheme 2023. Collection method: clinical testing. Allele origin: germline.
Comment: The c.-2G>A variant is located in the 5' untranslated region (5&rsquo; UTR) of the MSH6 gene. This variant results from a G to A substitution 2 bases upstream from the first translated codon. This nucleotide position is poorly conserved in available vertebrate species. Based on the available evidence, the clinical significance of this variant remains unclear.

NM_000179.3(MSH6):c.-2G>A

Gene: MSH6 (mutS homolog 6; plus strand). Cytogenetic location: 2p16.3.
Variant type: single nucleotide variant.
Coding change: c.-2G>A on transcript NM_000179.3 (MANE Select); 2 bases upstream of the start codon, G replaced by A.
Molecular consequence: 5 prime UTR variant. On other transcripts: non-coding transcript variant (5), splice donor variant (5).
Genome position (GRCh38, 1-based): chr2:47,783,232, G>A. VCF-style: chr2-47783232-G-A. GRCh37 (hg19) VCF-style: chr2-48010371-G-A.
Other names: c.-2G>A (NM_001281492.2, NM_001406795.1, NM_001406796.1 and 9 more transcripts); c.-738G>A (NM_001281493.2, NM_001406811.1); c.-330G>A (NM_001406799.1); c.-57G>A (NM_001406804.1); c.-930G>A (NM_001406807.1); c.-585G>A (NM_001406812.1); c.-996G>A (NM_001406814.1); c.-541G>A (NM_001406816.1); and 3 more.
Identifiers: ClinVar variation 3875027 (VCV003875027.1).
Genomic context (GRCh38, chr2:47,783,232, plus strand): 5'-GTAGATGCGGTGCTTTTAGGAGCTCCGTCCGACAGAACGGTTGGGCCTTGCCGGCTGTCG[G>A]TATGTCGCGACAGAGCACCCTGTACAGCTTCTTCCCCAAGTCTCCGGCGCTGAGTGATGC-3'